The following is an entry in ClinVar:

ClinVar aggregate classification (germline): Uncertain significance (0 of 4 stars; one submission).

Conditions:
PKHD1-related disorder. Also called: PKHD1-related condition.

gnomAD v4.1: 3 of 1,613,418 alleles (0.00019%); highest among the groups gnomAD compares: South Asian, 0.0033%; no homozygotes.

Submission:

PreventionGenetics, part of Exact Sciences
Classification: Uncertain significance for PKHD1-related condition. Last evaluated: 2024-03-28. Review status: no assertion criteria provided. Collection method: clinical testing. Allele origin: germline.
Comment: The PKHD1 c.738C>T variant is not predicted to result in an amino acid change (p.=). This variant is predicted to alter splicing based on available splicing prediction programs (spliceAI, Jaganathan et al. 2019. PubMed ID: 30661751). However, such computer prediction programs are imperfect. To our knowledge, this variant has not been reported in the literature. This variant is reported in 0.0065% of alleles in individuals of South Asian descent in gnomAD. At this time, the clinical significance of this variant is uncertain due to the absence of conclusive functional and genetic evidence.

NM_138694.4(PKHD1):c.738C>T (p.Ile246=)

Gene: PKHD1 (PKHD1 ciliary IPT domain containing fibrocystin/polyductin; minus strand). Cytogenetic location: 6p12.2.
Variant type: single nucleotide variant.
Coding change: c.738C>T on transcript NM_138694.4 (MANE Select); coding-DNA position 738, C replaced by T.
Protein change: p.Ile246=; no amino-acid change (isoleucine 246 retained).
Molecular consequence: synonymous variant.
Genome position (GRCh38, 1-based): chr6:52,069,497, G>A on the plus strand (C>T on the coding strand, the complement: PKHD1 is on the minus strand). VCF-style: chr6-52069497-G-A. GRCh37 (hg19) VCF-style: chr6-51934295-G-A.
Other names: c.738C>T, p.Ile246= (NM_170724.3).
Identifiers: ClinVar variation 3354587 (VCV003354587.1).